The following is an entry in ClinVar:

NM_024598.4(USB1):c.17T>G (p.Leu6Arg)

Genes: USB1 (U6 snRNA biogenesis phosphodiesterase 1; plus strand), LOC112469011 (Sharpr-MPRA regulatory region 3942; plus strand). Cytogenetic location: 16q21.
Variant type: single nucleotide variant.
Coding change: c.17T>G on transcript NM_024598.4 (MANE Select); coding-DNA position 17, T replaced by G.
Protein change: p.Leu6Arg; replaces leucine 6 with arginine.
Molecular consequence: missense variant. On other transcripts: intron variant (1).
Genome position (GRCh38, 1-based): chr16:58,001,500, T>G. VCF-style: chr16-58001500-T-G. GRCh37 (hg19) VCF-style: chr16-58035404-T-G.
Other names: c.17T>G, p.Leu6Arg (NM_001195302.2, NM_001204911.2, NM_001330569.2); c.-55-979T>G (NM_001330568.2); short protein forms L6R.
Identifiers: ClinVar variation 3978173 (VCV003978173.1).

ClinVar aggregate classification (germline): Uncertain significance (1 of 4 stars; one submission).

Conditions:
Inborn genetic diseases. Identifiers: MedGen C0950123, MeSH D030342.

Submission:

Ambry Genetics
Classification: Uncertain significance for Inborn genetic diseases. Last evaluated: 2025-05-16. Review status: criteria provided, single submitter. Criteria: Ambry Variant Classification Scheme 2023. Collection method: clinical testing. Allele origin: germline.
Comment: The p.L6R variant (also known as c.17T>G), located in coding exon 1 of the USB1 gene, results from a T to G substitution at nucleotide position 17. The leucine at codon 6 is replaced by arginine, an amino acid with dissimilar properties. This amino acid position is conserved. In addition, the in silico prediction for this alteration is inconclusive. Based on the available evidence, the clinical significance of this variant remains unclear.